The following is an entry in ClinVar:

ClinVar aggregate classification (germline): Uncertain significance (1 of 4 stars; one submission).

gnomAD v4.1: 16 of 1,614,106 alleles (0.00099%); highest among the groups gnomAD compares: Non-Finnish European, 0.0014%; no homozygotes.

Submission:

Labcorp Genetics (formerly Invitae), Labcorp
Classification: Uncertain significance. Last evaluated: 2024-12-24. Review status: criteria provided, single submitter. Criteria: Invitae Variant Classification Sherloc (09022015). Collection method: clinical testing. Allele origin: germline.
Comment: This sequence change replaces arginine, which is basic and polar, with tryptophan, which is neutral and slightly polar, at codon 375 of the KLHL9 protein (p.Arg375Trp). This variant is not present in population databases (gnomAD no frequency). This variant has not been reported in the literature in individuals affected with KLHL9-related conditions. Invitae Evidence Modeling of protein sequence and biophysical properties (such as structural, functional, and spatial information, amino acid conservation, physicochemical variation, residue mobility, and thermodynamic stability) indicates that this missense variant is expected to disrupt KLHL9 protein function with a positive predictive value of 80%. In summary, the available evidence is currently insufficient to determine the role of this variant in disease. Therefore, it has been classified as a Variant of Uncertain Significance.

NM_018847.4(KLHL9):c.1123C>T (p.Arg375Trp)

Gene: KLHL9 (kelch like family member 9; minus strand). Cytogenetic location: 9p21.3.
Variant type: single nucleotide variant.
Coding change: c.1123C>T on transcript NM_018847.4 (MANE Select); coding-DNA position 1123, C replaced by T.
Protein change: p.Arg375Trp; replaces arginine 375 with tryptophan.
Molecular consequence: missense variant.
Genome position (GRCh38, 1-based): chr9:21,333,737, G>A on the plus strand (C>T on the coding strand, the complement: KLHL9 is on the minus strand). VCF-style: chr9-21333737-G-A. GRCh37 (hg19) VCF-style: chr9-21333736-G-A.
Other names: short protein forms R375W.
Identifiers: ClinVar variation 3610054 (VCV003610054.2).